The following is an entry in ClinVar:

ClinVar aggregate classification (germline): Conflicting classifications of pathogenicity. Review status: criteria provided, conflicting classifications (1 of 4 stars). 2 submissions from 2 submitters: Uncertain significance (1); Likely benign (1). Last evaluated 2022-01-04.

Conditions:
Hereditary cancer-predisposing syndrome. Also called: Neoplastic Syndromes, Hereditary; Hereditary Cancer Syndrome; Hereditary neoplastic syndrome; Tumor predisposition. Identifiers: Orphanet 140162, MedGen C0027672, MeSH D009386, MONDO:0015356.
Hereditary breast ovarian cancer syndrome. Also called: Hereditary breast and ovarian cancer syndrome (HBOC); Hereditary breast and ovarian cancer syndrome; Breast and ovarian cancer; Hereditary breast and/or ovarian cancer syndrome; Hereditary breast and ovarian cancer; BRCA1- and BRCA2-Associated Hereditary Breast and Ovarian Cancer. Identifiers: Orphanet 145, MedGen C0677776, MeSH D061325, MONDO:0003582. Disease mechanism: loss of function.

Submissions (2):

Ambry Genetics
Classification: Likely benign for Hereditary cancer-predisposing syndrome. Last evaluated: 2022-01-04. Review status: criteria provided, single submitter. Criteria: Ambry Variant Classification Scheme 2023. Collection method: clinical testing. Allele origin: germline.

Labcorp Genetics (formerly Invitae), Labcorp
Classification: Uncertain significance for Hereditary breast ovarian cancer syndrome. Last evaluated: 2020-06-20. Review status: criteria provided, single submitter. Criteria: Invitae Variant Classification Sherloc (09022015). Collection method: clinical testing. Allele origin: germline.
Comment: This sequence change replaces valine with isoleucine at codon 2527 of the BRCA2 protein (p.Val2527Ile). The valine residue is highly conserved and there is a small physicochemical difference between valine and isoleucine. This variant is not present in population databases (ExAC no frequency) and has not been reported in the literature in individuals with a BRCA2-related disease. Algorithms developed to predict the effect of missense changes on protein structure and function (SIFT, PolyPhen-2, Align-GVGD) all suggest that this variant is likely to be disruptive, but these predictions have not been confirmed by published functional studies. In summary, this variant is a novel missense change with uncertain impact on protein function. It has been classified as a Variant of Uncertain Significance.

Literature cited by the submitters: PubMed 29884841 (cited by Ambry Genetics); PubMed 33609447 (cited by Ambry Genetics).

NM_000059.4(BRCA2):c.7579G>A (p.Val2527Ile)

Gene: BRCA2 (BRCA2 DNA repair associated; plus strand). Cytogenetic location: 13q13.1.
Variant type: single nucleotide variant.
Coding change: c.7579G>A on transcript NM_000059.4 (MANE Select); coding-DNA position 7579, G replaced by A.
Protein change: p.Val2527Ile; replaces valine 2527 with isoleucine.
Molecular consequence: missense variant.
Genome position (GRCh38, 1-based): chr13:32,356,571, G>A. VCF-style: chr13-32356571-G-A. GRCh37 (hg19) VCF-style: chr13-32930708-G-A.
Other names: short protein forms V2527I.
Identifiers: ClinVar variation 462447 (VCV000462447.11), dbSNP rs1555286293, ClinGen allele CA387743822.
Genomic context (GRCh38, chr13:32,356,571, plus strand): 5'-CCAGGCAGTCTGTATCTTGCAAAAACATCCACTCTGCCTCGAATCTCTCTGAAAGCAGCA[G>A]TAGGAGGCCAAGTTCCCTCTGCGTGTTCTCATAAACAGGTATGTGTTTGTCTACAATACT-3'
Protein context (NP_000050.3, residues 2517-2537): TLPRISLKAA[Val2527Ile]GGQVPSACSH